The following is an entry in ClinVar:

ClinVar aggregate classification (germline): Benign (1 of 4 stars; one submission).

Conditions:
Multiple cutaneous and mucosal venous malformations (VMCM). Also called: TEK-Related Multiple Cutaneous and Mucosal Venous Malformations (VMCM). Identifiers: Orphanet 2451, MedGen C1838437, MONDO:0010842, OMIM 600195.

Allele frequency attached by ClinVar (database versions not stated): gnomAD 0.00270 and 0.00276; gnomAD exomes 0.00308; 1000 Genomes Project 0.00140; 1000 Genomes Project 30x 0.00141; TOPMed 0.00297.
gnomAD v4.1: 433 of 159,392 alleles (0.27%); highest among the groups gnomAD compares: Admixed American, 0.51%; no homozygotes.

Submission:

Illumina Laboratory Services, Illumina
Classification: Benign for Multiple cutaneous and mucosal venous malformations. Last evaluated: 2018-01-12. Review status: criteria provided, single submitter. Criteria: ICSL Variant Classification Criteria 13 December 2019. Collection method: clinical testing. Allele origin: germline.
Comment: This variant was observed in the ICSL laboratory as part of a predisposition screen in an ostensibly healthy population. It had not been previously curated by ICSL or reported in the Human Gene Mutation Database (HGMD: prior to June 1st, 2018), and was therefore a candidate for classification through an automated scoring system. Utilizing variant allele frequency, disease prevalence and penetrance estimates, and inheritance mode, an automated score was calculated to assess if this variant is too frequent to cause the disease. Based on the score and internal cut-off values, a variant classified as benign is not then subjected to further curation. The score for this variant resulted in a classification of benign for this disease.

NM_000459.5(TEK):c.*579T>C

Gene: TEK (TEK receptor tyrosine kinase; plus strand). Cytogenetic location: 9p21.2.
Variant type: single nucleotide variant.
Coding change: c.*579T>C on transcript NM_000459.5 (MANE Select); 579 bases downstream of the stop codon, T replaced by C.
Molecular consequence: 3 prime UTR variant.
Genome position (GRCh38, 1-based): chr9:27,229,811, T>C. VCF-style: chr9-27229811-T-C. GRCh37 (hg19) VCF-style: chr9-27229809-T-C.
Other names: c.*579T>C (NM_001290077.2, NM_001290078.2, NM_001375475.1 and 1 more transcripts).
Identifiers: ClinVar variation 366473 (VCV000366473.5), dbSNP rs138916876, ClinGen allele CA10633727.